The following is an entry in ClinVar:

ClinVar aggregate classification (germline): Uncertain significance (1 of 4 stars; one submission).

Submission:

Labcorp Genetics (formerly Invitae), Labcorp
Classification: Uncertain significance. Last evaluated: 2023-10-22. Review status: criteria provided, single submitter. Criteria: Invitae Variant Classification Sherloc (09022015). Collection method: clinical testing. Allele origin: germline.
Comment: This sequence change replaces tryptophan, which is neutral and slightly polar, with arginine, which is basic and polar, at codon 281 of the CETP protein (p.Trp281Arg). This variant is not present in population databases (gnomAD no frequency). This variant has not been reported in the literature in individuals affected with CETP-related conditions. Advanced modeling of protein sequence and biophysical properties (such as structural, functional, and spatial information, amino acid conservation, physicochemical variation, residue mobility, and thermodynamic stability) performed at Invitae indicates that this missense variant is expected to disrupt CETP protein function with a positive predictive value of 80%. In summary, the available evidence is currently insufficient to determine the role of this variant in disease. Therefore, it has been classified as a Variant of Uncertain Significance.

NM_000078.3(CETP):c.841T>C (p.Trp281Arg)

Gene: CETP (cholesteryl ester transfer protein; plus strand). Cytogenetic location: 16q13.
Variant type: single nucleotide variant.
Coding change: c.841T>C on transcript NM_000078.3 (MANE Select); coding-DNA position 841, T replaced by C.
Protein change: p.Trp281Arg; replaces tryptophan 281 with arginine.
Molecular consequence: missense variant. On other transcripts: intron variant (1).
Genome position (GRCh38, 1-based): chr16:56,973,421, T>C. VCF-style: chr16-56973421-T-C. GRCh37 (hg19) VCF-style: chr16-57007333-T-C.
Other names: c.750+1338T>C (NM_001286085.2); short protein forms W281R.
Identifiers: ClinVar variation 2780351 (VCV002780351.3), dbSNP rs2543651314, ClinGen allele CA396002992.